The following is an entry in ClinVar:

NM_000535.7(PMS2):c.804-9G>A

Gene: PMS2 (PMS1 homolog 2, mismatch repair system component; minus strand). Cytogenetic location: 7p22.1.
Variant type: single nucleotide variant.
Coding change: c.804-9G>A on transcript NM_000535.7 (MANE Select); 9 bases into the intron before coding-DNA position 804, G replaced by A.
Molecular consequence: intron variant.
Genome position (GRCh38, 1-based): chr7:5,995,642, C>T on the plus strand (G>A on the coding strand, the complement: PMS2 is on the minus strand). VCF-style: chr7-5995642-C-T. GRCh37 (hg19) VCF-style: chr7-6035273-C-T.
Other names: c.486-9G>A (NM_001322008.2, NM_001322007.2); c.399-9G>A (NM_001322010.2, NM_001322004.2, NM_001322003.2 and 2 more transcripts); c.231-9G>A (NM_001322013.2); c.-130-9G>A (NM_001322012.2, NM_001322011.2); c.495-9G>A (NM_001322015.2); c.804-9G>A (NM_001322006.2, NM_001322014.2).
Identifiers: ClinVar variation 492301 (VCV000492301.16), dbSNP rs780427536, ClinGen allele CA051876.

ClinVar aggregate classification (germline): Likely benign. Review status: criteria provided, multiple submitters, no conflicts (2 of 4 stars). 4 submissions from 4 submitters: Likely benign (4). Last evaluated 2025-09-02.

Conditions:
Hereditary cancer-predisposing syndrome. Also called: Hereditary neoplastic syndrome; Tumor predisposition; Hereditary Cancer Syndrome; Neoplastic Syndromes, Hereditary. Identifiers: Orphanet 140162, MedGen C0027672, MeSH D009386, MONDO:0015356.
Lynch syndrome. Identifiers: Orphanet 144, MedGen C4552100, MONDO:0005835. Disease mechanism: loss of function.
Hereditary nonpolyposis colorectal neoplasms. Identifiers: MedGen C0009405, MeSH D003123.
Lynch syndrome 4 (LYNCH4). Also called: Colorectal cancer, hereditary nonpolyposis, type 4; Hereditary non-polyposis colorectal cancer, type 4. Identifiers: Orphanet 144, MedGen C1838333, MONDO:0013699, OMIM 614337. Disease mechanism: loss of function.

Allele frequency attached by ClinVar (database versions not stated): gnomAD exomes below 0.00001 and 0.00001; ExAC 0.00001.
gnomAD v4.1: 10 of 1,573,288 alleles (0.00064%); highest among the groups gnomAD compares: Non-Finnish European, 0.00079%; no homozygotes.

Submissions (4):

Labcorp Genetics (formerly Invitae), Labcorp
Classification: Likely benign for Hereditary nonpolyposis colorectal neoplasms. Last evaluated: 2025-09-02. Review status: criteria provided, single submitter. Criteria: Invitae Variant Classification Sherloc (09022015). Collection method: clinical testing. Allele origin: germline.

Myriad Genetics, Inc.
Classification: Likely benign for Lynch syndrome 4. Last evaluated: 2025-01-28. Review status: criteria provided, single submitter. Criteria: Myriad Autosomal Dominant, Autosomal Recessive and X-Linked Classification Criteria (2023). Collection method: clinical testing. Allele origin: unknown.
Comment: This variant is considered likely benign. This variant is intronic and is not expected to impact mRNA splicing.

All of Us Research Program, National Institutes of Health
Classification: Likely benign for Lynch syndrome. Last evaluated: 2023-09-09. Review status: criteria provided, single submitter. Criteria: ACMG Guidelines, 2015. Collection method: clinical testing. Allele origin: germline. Inheritance: Autosomal dominant inheritance. Observed: 2 variant alleles, 2 heterozygotes.
Comment: This study involves interpretation of variants in research participants for the purpose of population health screening. Participant phenotype was not available at the time of variant classification. Additional details can be found in publication PMID: 35346344, PMCID: PMC8962531

Color Diagnostics, LLC DBA Color Health
Classification: Likely benign for Hereditary cancer-predisposing syndrome. Last evaluated: 2017-06-02. Review status: criteria provided, single submitter. Criteria: ACMG Guidelines, 2015. Collection method: clinical testing. Allele origin: germline.